The following is an entry in ClinVar:

NM_015450.3(POT1):c.682C>A (p.His228Asn)

Gene: POT1 (protection of telomeres 1; minus strand). Cytogenetic location: 7q31.33.
Variant type: single nucleotide variant.
Coding change: c.682C>A on transcript NM_015450.3 (MANE Select); coding-DNA position 682, C replaced by A.
Protein change: p.His228Asn; replaces histidine 228 with asparagine.
Molecular consequence: missense variant. On other transcripts: non-coding transcript variant (3).
Genome position (GRCh38, 1-based): chr7:124,858,977, G>T on the plus strand (C>A on the coding strand, the complement: POT1 is on the minus strand). VCF-style: chr7-124858977-G-T. GRCh37 (hg19) VCF-style: chr7-124499031-G-T.
Other names: c.289C>A, p.His97Asn (NM_001042594.2); short protein forms H228N, H97N.
Identifiers: ClinVar variation 3936295 (VCV003936295.1).

ClinVar aggregate classification (germline): Uncertain significance (1 of 4 stars; one submission).

Conditions:
Hereditary cancer-predisposing syndrome. Also called: Tumor predisposition; Hereditary neoplastic syndrome; Hereditary Cancer Syndrome; Neoplastic Syndromes, Hereditary. Identifiers: Orphanet 140162, MedGen C0027672, MeSH D009386, MONDO:0015356.

Submission:

Ambry Genetics
Classification: Uncertain significance for Hereditary cancer-predisposing syndrome. Last evaluated: 2025-05-05. Review status: criteria provided, single submitter. Criteria: Ambry Variant Classification Scheme 2023. Collection method: clinical testing. Allele origin: germline.
Comment: The p.H228N variant (also known as c.682C>A), located in coding exon 5 of the POT1 gene, results from a C to A substitution at nucleotide position 682. The histidine at codon 228 is replaced by asparagine, an amino acid with similar properties. This amino acid position is conserved. In addition, this alteration is predicted to be tolerated by in silico analysis. Based on the available evidence, the clinical significance of this variant remains unclear.